The following is an entry in ClinVar:

NM_002213.5(ITGB5):c.238G>C (p.Glu80Gln)

Gene: ITGB5 (integrin subunit beta 5; minus strand). Cytogenetic location: 3q21.2.
Variant type: single nucleotide variant.
Coding change: c.238G>C on transcript NM_002213.5 (MANE Select); coding-DNA position 238, G replaced by C.
Protein change: p.Glu80Gln; replaces glutamic acid 80 with glutamine.
Molecular consequence: missense variant. On other transcripts: 5 prime UTR variant (3).
Genome position (GRCh38, 1-based): chr3:124,859,365, C>G on the plus strand (G>C on the coding strand, the complement: ITGB5 is on the minus strand). VCF-style: chr3-124859365-C-G. GRCh37 (hg19) VCF-style: chr3-124578212-C-G.
Other names: c.-87G>C (NM_001354764.2, NM_001354765.1, NM_001354766.2); short protein forms E80Q.
Identifiers: ClinVar variation 2654088 (VCV002654088.24), dbSNP rs112151655, ClinGen allele CA2582875.

ClinVar aggregate classification (germline): Likely benign (1 of 4 stars; one submission).

Allele frequency attached by ClinVar (database versions not stated): 1000 Genomes Project 30x 0.00172; 1000 Genomes Project 0.00220; ExAC 0.00417; TOPMed 0.00425; gnomAD 0.00432; ESP Exome Variant Server 0.00523; gnomAD exomes 0.00599.
gnomAD v4.1: 9,379 of 1,614,140 alleles (0.58%); highest among the groups gnomAD compares: Non-Finnish European, 0.69%; 44 homozygotes.

Submission:

CeGaT Center for Human Genetics Tuebingen
Classification: Likely benign. Last evaluated: 2023-08-01. Review status: criteria provided, single submitter. Criteria: CeGaT Center For Human Genetics Tuebingen Variant Classification Criteria Version 2. Collection method: clinical testing. Allele origin: germline. Affected: yes. Observed: 1 variant allele.
Comment: ITGB5: BS2